The following is an entry in ClinVar:

NM_001206999.2(CIT):c.5581C>T (p.Arg1861Cys)

Gene: CIT (citron rho-interacting serine/threonine kinase; minus strand). Cytogenetic location: 12q24.23.
Variant type: single nucleotide variant.
Coding change: c.5581C>T on transcript NM_001206999.2 (MANE Select); coding-DNA position 5581, C replaced by T.
Protein change: p.Arg1861Cys; replaces arginine 1861 with cysteine.
Molecular consequence: missense variant.
Genome position (GRCh38, 1-based): chr12:119,700,787, G>A on the plus strand (C>T on the coding strand, the complement: CIT is on the minus strand). VCF-style: chr12-119700787-G-A. GRCh37 (hg19) VCF-style: chr12-120138592-G-A.
Other names: c.5455C>T, p.Arg1819Cys (NM_007174.3); c.5581C>T (NM_001206999.1); short protein forms R1819C, R1861C.
Identifiers: ClinVar variation 1997805 (VCV001997805.2), dbSNP rs778187337, ClinGen allele CA6820815.
Genomic context (GRCh38, chr12:119,700,787, plus strand): 5'-ACACTGAGCCTCACGTACCAAAGGCCAAAGGTAAGCGACTCCACTTGAGATCGTCTGTGC[G>A]GCTACGTCTTCCGTAAGAATCCACGAACACTCCAAATTCTGCAAGGTGTCAAGAGCACGT-3'
Protein context (NP_001193928.1, residues 1851-1871): VFVDSYGRRS[Arg1861Cys]TDDLKWSRLP

ClinVar aggregate classification (germline): Uncertain significance. Review status: criteria provided, multiple submitters, no conflicts (2 of 4 stars). 2 submissions from 2 submitters: Uncertain significance (2). Last evaluated 2025-06-03.

Conditions:
Inborn genetic diseases. Identifiers: MedGen C0950123, MeSH D030342.

Allele frequency attached by ClinVar (database versions not stated): ExAC 0.00002; TOPMed 0.00001; gnomAD exomes 0.00001; gnomAD 0.00001.
gnomAD v4.1: 10 of 1,613,856 alleles (0.00062%); highest among the groups gnomAD compares: South Asian, 0.0022%; no homozygotes.

Submissions (2):

Ambry Genetics
Classification: Uncertain significance for Inborn genetic diseases. Last evaluated: 2025-06-03. Review status: criteria provided, single submitter. Criteria: Ambry Variant Classification Scheme 2023. Collection method: clinical testing. Allele origin: germline.

Labcorp Genetics (formerly Invitae), Labcorp
Classification: Uncertain significance. Last evaluated: 2022-02-25. Review status: criteria provided, single submitter. Criteria: Invitae Variant Classification Sherloc (09022015). Collection method: clinical testing. Allele origin: germline.
Comment: This sequence change replaces arginine, which is basic and polar, with cysteine, which is neutral and slightly polar, at codon 1861 of the CIT protein (p.Arg1861Cys). This variant is present in population databases (rs778187337, gnomAD 0.003%). This variant has not been reported in the literature in individuals affected with CIT-related conditions. Algorithms developed to predict the effect of missense changes on protein structure and function (SIFT, PolyPhen-2, Align-GVGD) all suggest that this variant is likely to be disruptive. In summary, the available evidence is currently insufficient to determine the role of this variant in disease. Therefore, it has been classified as a Variant of Uncertain Significance.